The following is an entry in ClinVar:

NM_001035.3(RYR2):c.3651T>C (p.Phe1217=)

Gene: RYR2 (ryanodine receptor 2; plus strand). Cytogenetic location: 1q43.
Variant type: single nucleotide variant.
Coding change: c.3651T>C on transcript NM_001035.3 (MANE Select); coding-DNA position 3651, T replaced by C.
Protein change: p.Phe1217=; no amino-acid change (phenylalanine 1217 retained).
Molecular consequence: synonymous variant.
Genome position (GRCh38, 1-based): chr1:237,589,845, T>C. VCF-style: chr1-237589845-T-C. GRCh37 (hg19) VCF-style: chr1-237753145-T-C.
Identifiers: ClinVar variation 2202522 (VCV002202522.5), dbSNP rs1457496964, ClinGen allele CA423819546.

ClinVar aggregate classification (germline): Likely benign. Review status: criteria provided, multiple submitters, no conflicts (2 of 4 stars). 2 submissions from 2 submitters: Likely benign (2). Last evaluated 2025-01-06.

Conditions:
Catecholaminergic polymorphic ventricular tachycardia (CVPT). Also called: Catecholamine-induced polymorphic ventricular tachycardia. Identifiers: Orphanet 3286, MedGen C5574922, MONDO:0017990.
Catecholaminergic polymorphic ventricular tachycardia 1. Also called: VENTRICULAR TACHYCARDIA, STRESS-INDUCED POLYMORPHIC 1; VENTRICULAR TACHYCARDIA, CATECHOLAMINERGIC POLYMORPHIC, 1, WITH OR WITHOUT ATRIAL DYSFUNCTION AND/OR DILATED CARDIOMYOPATHY; RYR2-Related Catecholaminergic Polymorphic Ventricular Tachycardia. Identifiers: Orphanet 3286, MedGen C1631597, MONDO:0011484, OMIM 604772.

Allele frequency attached by ClinVar (database versions not stated): gnomAD exomes below 0.00001; TOPMed 0.00001.
gnomAD v4.1: 2 of 1,613,926 alleles (0.00012%); highest among the groups gnomAD compares: African/African-American, 0.0013%; no homozygotes.

Submissions (2):

Labcorp Genetics (formerly Invitae), Labcorp
Classification: Likely benign for Catecholaminergic polymorphic ventricular tachycardia 1. Last evaluated: 2025-01-06. Review status: criteria provided, single submitter. Criteria: Invitae Variant Classification Sherloc (09022015). Collection method: clinical testing. Allele origin: germline.

All of Us Research Program, National Institutes of Health
Classification: Likely benign for Catecholaminergic polymorphic ventricular tachycardia. Last evaluated: 2023-05-04. Review status: criteria provided, single submitter. Criteria: ACMG Guidelines, 2015. Collection method: clinical testing. Allele origin: germline. Inheritance: Autosomal dominant inheritance. Observed: 1 variant allele, 1 heterozygote.
Comment: This study involves interpretation of variants in research participants for the purpose of population health screening. Participant phenotype was not available at the time of variant classification. Additional details can be found in publication PMID: 35346344, PMCID: PMC8962531